The following is an entry in ClinVar:

NM_001369.3(DNAH5):c.9869C>G (p.Ala3290Gly)

Gene: DNAH5 (dynein axonemal heavy chain 5; minus strand). Cytogenetic location: 5p15.2.
Variant type: single nucleotide variant.
Coding change: c.9869C>G on transcript NM_001369.3 (MANE Select); coding-DNA position 9869, C replaced by G.
Protein change: p.Ala3290Gly; replaces alanine 3290 with glycine.
Molecular consequence: missense variant.
Genome position (GRCh38, 1-based): chr5:13,768,988, G>C on the plus strand (C>G on the coding strand, the complement: DNAH5 is on the minus strand). VCF-style: chr5-13768988-G-C. GRCh37 (hg19) VCF-style: chr5-13769097-G-C.
Other names: c.9869C>G (NM_001369.2); short protein forms A3290G.
Identifiers: ClinVar variation 3677162 (VCV003677162.3).
Genomic context (GRCh38, chr5:13,768,988, plus strand): 5'-AAGCTGACATCTGTTATATCACATAGATGCACCTGCAATGCAGCTTCTGCCTCTTCTAAA[G>C]CTGGTTTTGCTGCTTCCAGTTTTTCTTCAGCAATGGCTTTGTCTTTAGAGATGCTGTCCA-3'
Protein context (NP_001360.1, residues 3280-3300): AEEKLEAAKP[Ala3290Gly]LEEAEAALQT

ClinVar aggregate classification (germline): Uncertain significance. Review status: criteria provided, multiple submitters, no conflicts (2 of 4 stars). 2 submissions from 2 submitters: Uncertain significance (2). Last evaluated 2025-04-15.

Conditions:
Primary ciliary dyskinesia. Also called: Ciliary dyskinesia. Identifiers: Orphanet 244, MedGen C0008780, MONDO:0016575, HP:0012265.

Submissions (2):

Labcorp Genetics (formerly Invitae), Labcorp
Classification: Uncertain significance for Primary ciliary dyskinesia. Last evaluated: 2025-04-15. Review status: criteria provided, single submitter. Criteria: Invitae Variant Classification Sherloc (09022015). Collection method: clinical testing. Allele origin: germline.
Comment: This sequence change replaces alanine, which is neutral and non-polar, with glycine, which is neutral and non-polar, at codon 3290 of the DNAH5 protein (p.Ala3290Gly). This variant is not present in population databases (gnomAD no frequency). This variant has not been reported in the literature in individuals affected with DNAH5-related conditions. ClinVar contains an entry for this variant (Variation ID: 3677162). Invitae Evidence Modeling of protein sequence and biophysical properties (such as structural, functional, and spatial information, amino acid conservation, physicochemical variation, residue mobility, and thermodynamic stability) has been performed for this missense variant. However, the output from this modeling did not meet the statistical confidence thresholds required to predict the impact of this variant on DNAH5 protein function. In summary, the available evidence is currently insufficient to determine the role of this variant in disease. Therefore, it has been classified as a Variant of Uncertain Significance.

Ambry Genetics
Classification: Uncertain significance for Primary ciliary dyskinesia. Last evaluated: 2025-04-10. Review status: criteria provided, single submitter. Criteria: Ambry Variant Classification Scheme 2023. Collection method: clinical testing. Allele origin: germline.